The following is an entry in ClinVar:

NM_004958.4(MTOR):c.5852C>G (p.Pro1951Arg)

Gene: MTOR (mechanistic target of rapamycin kinase; minus strand). Cytogenetic location: 1p36.22.
Variant type: single nucleotide variant.
Coding change: c.5852C>G on transcript NM_004958.4 (MANE Select); coding-DNA position 5852, C replaced by G.
Protein change: p.Pro1951Arg; replaces proline 1951 with arginine.
Molecular consequence: missense variant.
Genome position (GRCh38, 1-based): chr1:11,128,512, G>C on the plus strand (C>G on the coding strand, the complement: MTOR is on the minus strand). VCF-style: chr1-11128512-G-C. GRCh37 (hg19) VCF-style: chr1-11188569-G-C.
Other names: c.5852C>G, p.Pro1951Arg (NM_001386500.1); c.4604C>G, p.Pro1535Arg (NM_001386501.1); short protein forms P1535R, P1951R.
Identifiers: ClinVar variation 4071787 (VCV004071787.1).

ClinVar aggregate classification (germline): Uncertain significance (1 of 4 stars; one submission).

Submission:

GeneDx
Classification: Uncertain significance. Last evaluated: 2025-01-23. Review status: criteria provided, single submitter. Criteria: GeneDx Variant Classification Process June 2021. Collection method: clinical testing. Allele origin: germline. Affected: yes.
Comment: Not observed at significant frequency in large population cohorts (gnomAD); In silico analysis indicates that this missense variant does not alter protein structure/function; Has not been previously published as pathogenic or benign to our knowledge